The following is an entry in ClinVar:

NM_005068.3(SIM1):c.687C>A (p.Ser229Arg)

Gene: SIM1 (SIM bHLH transcription factor 1; minus strand). Cytogenetic location: 6q16.3.
Variant type: single nucleotide variant.
Coding change: c.687C>A on transcript NM_005068.3 (MANE Select); coding-DNA position 687, C replaced by A.
Protein change: p.Ser229Arg; replaces serine 229 with arginine.
Molecular consequence: missense variant.
Genome position (GRCh38, 1-based): chr6:100,448,535, G>T on the plus strand (C>A on the coding strand, the complement: SIM1 is on the minus strand). VCF-style: chr6-100448535-G-T. GRCh37 (hg19) VCF-style: chr6-100896411-G-T.
Other names: c.687C>A, p.Ser229Arg (NM_001374769.1); short protein forms S229R.
Identifiers: ClinVar variation 4988655 (VCV004988655.1).

ClinVar aggregate classification (germline): Uncertain significance (1 of 4 stars; one submission).

Conditions:
SIM1-related disorder. Also called: SIM1-related disorders; SIM1-related condition.

gnomAD v4.1: 13 of 1,614,146 alleles (0.00081%); highest among the groups gnomAD compares: Non-Finnish European, 0.0011%; no homozygotes.

Submission:

PreventionGenetics, part of Exact Sciences
Classification: Uncertain significance for SIM1-related condition. Last evaluated: 2026-05-06. Review status: criteria provided, single submitter. Criteria: ACMG Guidelines, 2015. Collection method: clinical testing. Allele origin: germline.
Comment: The SIM1 c.687C>A variant is predicted to result in the amino acid substitution p.Ser229Arg. To our knowledge, this variant has not been reported in the literature or in a large population database (gnomAD), indicating this variant is rare. At this time, the clinical significance of this variant is uncertain due to the absence of conclusive functional and genetic evidence.